The following is an entry in ClinVar:

ClinVar aggregate classification (germline): Conflicting classifications of pathogenicity. Review status: criteria provided, conflicting classifications (1 of 4 stars). 4 submissions from 4 submitters: Uncertain significance (3); Likely benign (1). Last evaluated 2026-01-14.

Conditions:
Autosomal recessive nonsyndromic hearing loss 97. Also called: Deafness, autosomal recessive 97. Identifiers: Orphanet 90636, MedGen C4084709, MONDO:0014739, OMIM 616705.
Hereditary cancer-predisposing syndrome. Also called: Neoplastic Syndromes, Hereditary; Hereditary Cancer Syndrome; Tumor predisposition; Hereditary neoplastic syndrome. Identifiers: Orphanet 140162, MedGen C0027672, MeSH D009386, MONDO:0015356.
Renal cell carcinoma. Identifiers: Orphanet 217071, MedGen C0007134, MeSH D002292, MONDO:0005086, HP:0005584.

Allele frequency attached by ClinVar (database versions not stated): gnomAD 0.00001 and 0.00008; TOPMed 0.00008.
gnomAD v4.1: 9 of 1,613,914 alleles (0.00056%); highest among the groups gnomAD compares: Non-Finnish European, 0.000085%; no homozygotes.

Submissions (4):

Labcorp Genetics (formerly Invitae), Labcorp
Classification: Uncertain significance for Renal cell carcinoma. Last evaluated: 2026-01-14. Review status: criteria provided, single submitter. Criteria: Invitae Variant Classification Sherloc (09022015). Collection method: clinical testing. Allele origin: germline.
Comment: This sequence change replaces aspartic acid, which is acidic and polar, with histidine, which is basic and polar, at codon 94 of the MET protein (p.Asp94His). This variant is not present in population databases (gnomAD no frequency). This variant has not been reported in the literature in individuals affected with MET-related conditions. ClinVar contains an entry for this variant (Variation ID: 581576). Invitae Evidence Modeling of protein sequence and biophysical properties (such as structural, functional, and spatial information, amino acid conservation, physicochemical variation, residue mobility, and thermodynamic stability) indicates that this missense variant is not expected to disrupt MET protein function with a negative predictive value of 80%. In summary, the available evidence is currently insufficient to determine the role of this variant in disease. Therefore, it has been classified as a Variant of Uncertain Significance.

Baylor Genetics
Classification: Uncertain significance for Autosomal recessive nonsyndromic hearing loss 97. Last evaluated: 2024-03-29. Review status: criteria provided, single submitter. Criteria: ACMG Guidelines, 2015. Collection method: clinical testing. Allele origin: unknown.

Ambry Genetics
Classification: Likely benign for Hereditary cancer-predisposing syndrome. Last evaluated: 2024-03-05. Review status: criteria provided, single submitter. Criteria: Ambry Variant Classification Scheme 2023. Collection method: clinical testing. Allele origin: germline.

GeneDx
Classification: Uncertain significance. Last evaluated: 2023-06-28. Review status: criteria provided, single submitter. Criteria: GeneDx Variant Classification Process June 2021. Collection method: clinical testing. Allele origin: germline. Affected: yes.
Comment: Not observed at significant frequency in large population cohorts (gnomAD); In silico analysis supports that this missense variant has a deleterious effect on protein structure/function; Has not been previously published as pathogenic or benign to our knowledge

NM_000245.4(MET):c.280G>C (p.Asp94His)

Gene: MET (MET proto-oncogene, receptor tyrosine kinase; plus strand). Cytogenetic location: 7q31.2.
Variant type: single nucleotide variant.
Coding change: c.280G>C on transcript NM_000245.4 (MANE Select); coding-DNA position 280, G replaced by C.
Protein change: p.Asp94His; replaces aspartic acid 94 with histidine.
Molecular consequence: missense variant. On other transcripts: intron variant (1).
Genome position (GRCh38, 1-based): chr7:116,699,364, G>C. VCF-style: chr7-116699364-G-C. GRCh37 (hg19) VCF-style: chr7-116339418-G-C.
Other names: c.280G>C, p.Asp94His (NM_001127500.3, NM_001324401.3); c.-91+26787G>C (NM_001324402.2); short protein forms D94H.
Identifiers: ClinVar variation 581576 (VCV000581576.12), dbSNP rs899151863, ClinGen allele CA164888130.